The following is an entry in ClinVar:

ClinVar aggregate classification (germline): Uncertain significance. Review status: criteria provided, multiple submitters, no conflicts (2 of 4 stars). 2 submissions from 2 submitters: Uncertain significance (2). Last evaluated 2026-04-04.

Conditions:
Cardiovascular phenotype. Identifiers: MedGen CN230736.
RASopathy. Also called: Noonan spectrum disorder; rasopathies. Identifiers: Orphanet 536391, MedGen C5555857, MONDO:0021060.

Allele frequency attached by ClinVar (database versions not stated): gnomAD exomes below 0.00001.
gnomAD v4.1: 1 of 1,613,736 alleles (0.000062%); highest among the groups gnomAD compares: Non-Finnish European, 0.000085%; no homozygotes.

Submissions (2):

Ambry Genetics
Classification: Uncertain significance for Cardiovascular phenotype. Last evaluated: 2026-04-04. Review status: criteria provided, single submitter. Criteria: Ambry Variant Classification Scheme 2023. Collection method: clinical testing. Allele origin: germline.
Comment: The p.S1333F variant (also known as c.3998C>T), located in coding exon 23 of the SOS1 gene, results from a C to T substitution at nucleotide position 3998. The serine at codon 1333 is replaced by phenylalanine, an amino acid with highly dissimilar properties. This amino acid position is conserved. In addition, the in silico prediction for this alteration is inconclusive. Based on the available evidence, the clinical significance of this variant remains unclear.

Labcorp Genetics (formerly Invitae), Labcorp
Classification: Uncertain significance for RASopathy. Last evaluated: 2021-09-08. Review status: criteria provided, single submitter. Criteria: Invitae Variant Classification Sherloc (09022015). Collection method: clinical testing. Allele origin: germline.
Comment: In summary, the available evidence is currently insufficient to determine the role of this variant in disease. Therefore, it has been classified as a Variant of Uncertain Significance. Algorithms developed to predict the effect of missense changes on protein structure and function (SIFT, PolyPhen-2, Align-GVGD) all suggest that this variant is likely to be tolerated. This variant has not been reported in the literature in individuals affected with SOS1-related conditions. This variant is not present in population databases (ExAC no frequency). This sequence change replaces serine with phenylalanine at codon 1333 of the SOS1 protein (p.Ser1333Phe). The serine residue is weakly conserved and there is a large physicochemical difference between serine and phenylalanine.

NM_005633.4(SOS1):c.3998C>T (p.Ser1333Phe)

Gene: SOS1 (SOS Ras/Rac guanine nucleotide exchange factor 1; minus strand). Cytogenetic location: 2p22.1.
Variant type: single nucleotide variant.
Coding change: c.3998C>T on transcript NM_005633.4 (MANE Select); coding-DNA position 3998, C replaced by T.
Protein change: p.Ser1333Phe; replaces serine 1333 with phenylalanine.
Molecular consequence: missense variant.
Genome position (GRCh38, 1-based): chr2:38,985,828, G>A on the plus strand (C>T on the coding strand, the complement: SOS1 is on the minus strand). VCF-style: chr2-38985828-G-A. GRCh37 (hg19) VCF-style: chr2-39212969-G-A.
Other names: c.3977C>T, p.Ser1326Phe (NM_001382394.1); c.3953C>T, p.Ser1318Phe (NM_001382395.1); c.3998C>T (NM_005633.3); short protein forms S1333F, S1318F, S1326F.
Identifiers: ClinVar variation 1487129 (VCV001487129.7), dbSNP rs2124453911, ClinGen allele CA346361840.
Genomic context (GRCh38, chr2:38,985,828, plus strand): 5'-CCATTGCCAGCAATGGATTTGGGGCTAGGAAAATATACATCCCAGTACAGAGGAACTCAG[G>A]AAGAATGGGCATTCTCCAACAGTGGTGGTCCATCTCTGTGCATGGATGGGTGTGTGTGCT-3'
Protein context (NP_005624.2, residues 1323-1333): GPPLLENAHS[Ser1333Phe]